The following is an entry in ClinVar:

NC_000010.10:g.(?_17151619)_(17157616_?)del

Gene: CUBN (cubilin; minus strand). Cytogenetic location: 10p13.
Variant type: Deletion.
Identifiers: ClinVar variation 3244830 (VCV003244830.1).

ClinVar aggregate classification (germline): Pathogenic (1 of 4 stars; one submission).

Conditions:
Imerslund-Grasbeck syndrome. Also called: PERNICIOUS ANEMIA, JUVENILE, DUE TO SELECTIVE INTESTINAL MALABSORPTION OF VITAMIN B12, WITH PROTEINURIA; Megaloblastic anemia due to inborn errors of metabolism; Imerslund-Gräsbeck syndrome; ENTEROCYTE COBALAMIN MALABSORPTION; ENTEROCYTE INTRINSIC FACTOR RECEPTOR, DEFECT OF. Identifiers: Orphanet 35858, MedGen C4551825, MONDO:0009853.

Submission:

Labcorp Genetics (formerly Invitae), Labcorp
Classification: Pathogenic for Imerslund-Grasbeck syndrome. Last evaluated: 2023-02-09. Review status: criteria provided, single submitter. Criteria: Invitae Variant Classification Sherloc (09022015). Collection method: clinical testing. Allele origin: unknown.
Comment: This variant is a gross deletion of the genomic region encompassing exon(s) 7-10 of the CUBN gene. This deletion is out-of-frame, and is expected to create a premature termination codon and result in an absent or disrupted protein product. Loss-of-function variants in CUBN are known to be pathogenic (PMID: 15024727, 22929189, 25349199, 34979989). This variant has not been reported in the literature in individuals affected with CUBN-related conditions. For these reasons, this variant has been classified as Pathogenic.

Literature cited by the submitters: PubMed 15024727; PubMed 22929189; PubMed 25349199; PubMed 34979989.